The following is an entry in ClinVar:

NM_030773.4(TUBB1):c.1070C>T (p.Pro357Leu)

Gene: TUBB1 (tubulin beta 1 class VI; plus strand). Cytogenetic location: 20q13.32.
Variant type: single nucleotide variant.
Coding change: c.1070C>T on transcript NM_030773.4 (MANE Select); coding-DNA position 1070, C replaced by T.
Protein change: p.Pro357Leu; replaces proline 357 with leucine.
Molecular consequence: missense variant.
Genome position (GRCh38, 1-based): chr20:59,024,497, C>T. VCF-style: chr20-59024497-C-T. GRCh37 (hg19) VCF-style: chr20-57599552-C-T.
Other names: short protein forms P357L.
Identifiers: ClinVar variation 2718447 (VCV002718447.3), dbSNP rs200564118, ClinGen allele CA9928648.

ClinVar aggregate classification (germline): Uncertain significance (1 of 4 stars; one submission).

Allele frequency attached by ClinVar (database versions not stated): gnomAD 0.00002; TOPMed 0.00002; ExAC 0.00004; gnomAD exomes 0.00003.
gnomAD v4.1: 46 of 1,614,084 alleles (0.0028%); highest among the groups gnomAD compares: East Asian, 0.016%; no homozygotes.

Submission:

Labcorp Genetics (formerly Invitae), Labcorp
Classification: Uncertain significance. Last evaluated: 2025-05-27. Review status: criteria provided, single submitter. Criteria: Invitae Variant Classification Sherloc (09022015). Collection method: clinical testing. Allele origin: germline.
Comment: This sequence change replaces proline, which is neutral and non-polar, with leucine, which is neutral and non-polar, at codon 357 of the TUBB1 protein (p.Pro357Leu). This variant is present in population databases (rs200564118, gnomAD 0.08%), and has an allele count higher than expected for a pathogenic variant. This variant has not been reported in the literature in individuals affected with TUBB1-related conditions. ClinVar contains an entry for this variant (Variation ID: 2718447). Invitae Evidence Modeling of protein sequence and biophysical properties (such as structural, functional, and spatial information, amino acid conservation, physicochemical variation, residue mobility, and thermodynamic stability) indicates that this missense variant is expected to disrupt TUBB1 protein function with a positive predictive value of 80%. In summary, the available evidence is currently insufficient to determine the role of this variant in disease. Therefore, it has been classified as a Variant of Uncertain Significance.